The following is an entry in ClinVar:

ClinVar aggregate classification (germline): Pathogenic (1 of 4 stars; one submission).

Conditions:
Sandhoff disease. Also called: HEXOSAMINIDASES A AND B DEFICIENCY; GM2-GANGLIOSIDOSIS, TYPE II; Beta-hexosaminidase-beta-subunit deficiency; GM2 gangliosidosis, type 2; Total hexosaminidase deficiency; Sandhoff-Jatzkewitz-Pilz disease. Identifiers: Orphanet 796, MedGen C0036161, MONDO:0010006, OMIM 268800.

Submission:

Myriad Genetics, Inc.
Classification: Pathogenic for Sandhoff disease. Last evaluated: 2026-06-17. Review status: criteria provided, single submitter. Criteria: Myriad Autosomal Dominant, Autosomal Recessive and X-Linked Classification Criteria (2023). Collection method: clinical testing. Allele origin: unknown.
Comment: NM_000521.3(HEXB):c.1529delG(G510Vfs*20) is a frameshift variant classified as pathogenic in the context of Sandhoff disease. G510Vfs*20 has not been observed in cases with relevant disease. Relevant functional assessments of this variant are not available in the literature. G510Vfs*20 has not been observed in referenced population frequency databases. In summary, NM_000521.3(HEXB):c.1529delG(G510Vfs*20) is a frameshift variant in a gene where loss of function is a known mechanism of disease and is predicted to disrupt protein function. Please note: this variant was assessed in the context of healthy population screening.

NM_000521.4(HEXB):c.1529del (p.Gly510fs)

Gene: HEXB (hexosaminidase subunit beta; plus strand). Cytogenetic location: 5q13.3.
Variant type: Deletion.
Coding change: c.1529del on transcript NM_000521.4 (MANE Select); coding-DNA position 1529, one base deleted (G; older notation c.1529delG).
Protein change: p.Gly510fs; shifts the reading frame from glycine 510.
Molecular consequence: frameshift variant.
Genome position (GRCh38, 1-based): chr5:74,720,663, G deleted; the last of 2 consecutive G bases (chr5:74,720,662-74,720,663); deleting either gives the same sequence. VCF-style (leftmost placement, unchanged base first): chr5-74720661-TG-T. GRCh37 (hg19) VCF-style: chr5-74016486-TG-T.
Other names: c.854del, p.Gly285fs (NM_001292004.2); short protein forms G285fs, G510fs.
Identifiers: ClinVar variation 5004734 (VCV005004734.1).